The following is an entry in ClinVar:

ClinVar aggregate classification (germline): Uncertain significance (1 of 4 stars; one submission).

Conditions:
Peroxisome biogenesis disorder, complementation group K (CGK). Identifiers: MedGen C1866257, MONDO:0800365.

Allele frequency attached by ClinVar (database versions not stated): gnomAD 0.00001; TOPMed 0.00001.
gnomAD v4.1: 25 of 1,613,760 alleles (0.0015%); highest among the groups gnomAD compares: Non-Finnish European, 0.0019%; no homozygotes.

Submission:

Labcorp Genetics (formerly Invitae), Labcorp
Classification: Uncertain significance for Peroxisome biogenesis disorder, complementation group K. Last evaluated: 2022-06-28. Review status: criteria provided, single submitter. Criteria: Invitae Variant Classification Sherloc (09022015). Collection method: clinical testing. Allele origin: germline.
Comment: This sequence change replaces isoleucine, which is neutral and non-polar, with threonine, which is neutral and polar, at codon 119 of the PEX14 protein (p.Ile119Thr). This variant is present in population databases (no rsID available, gnomAD 0.002%). This variant has not been reported in the literature in individuals affected with PEX14-related conditions. Algorithms developed to predict the effect of missense changes on protein structure and function are either unavailable or do not agree on the potential impact of this missense change (SIFT: "Deleterious"; PolyPhen-2: "Possibly Damaging"; Align-GVGD: "Class C0"). In summary, the available evidence is currently insufficient to determine the role of this variant in disease. Therefore, it has been classified as a Variant of Uncertain Significance.

NM_004565.3(PEX14):c.356T>C (p.Ile119Thr)

Gene: PEX14 (peroxisomal biogenesis factor 14; plus strand). Cytogenetic location: 1p36.22.
Variant type: single nucleotide variant.
Coding change: c.356T>C on transcript NM_004565.3 (MANE Select); coding-DNA position 356, T replaced by C.
Protein change: p.Ile119Thr; replaces isoleucine 119 with threonine.
Molecular consequence: missense variant.
Genome position (GRCh38, 1-based): chr1:10,618,389, T>C. VCF-style: chr1-10618389-T-C. GRCh37 (hg19) VCF-style: chr1-10678446-T-C.
Other names: short protein forms I119T.
Identifiers: ClinVar variation 2139173 (VCV002139173.1), dbSNP rs1210554647, ClinGen allele CA338331108.